The following is an entry in ClinVar:

NM_198565.3(NRROS):c.1550C>G (p.Ser517Cys)

Gene: NRROS (negative regulator of reactive oxygen species; plus strand). Cytogenetic location: 3q29.
Variant type: single nucleotide variant.
Coding change: c.1550C>G on transcript NM_198565.3 (MANE Select); coding-DNA position 1550, C replaced by G.
Protein change: p.Ser517Cys; replaces serine 517 with cysteine.
Molecular consequence: missense variant.
Genome position (GRCh38, 1-based): chr3:196,661,193, C>G. VCF-style: chr3-196661193-C-G. GRCh37 (hg19) VCF-style: chr3-196388064-C-G.
Other names: c.1550C>G (NM_198565.2); short protein forms S517C.
Identifiers: ClinVar variation 3881090 (VCV003881090.2).

ClinVar aggregate classification (germline): Uncertain significance. Review status: criteria provided, multiple submitters, no conflicts (2 of 4 stars). 2 submissions from 2 submitters: Uncertain significance (2). Last evaluated 2025-08-01.

Conditions:
Inborn genetic diseases. Identifiers: MedGen C0950123, MeSH D030342.

gnomAD v4.1: 21 of 1,613,392 alleles (0.0013%); highest among the groups gnomAD compares: Admixed American, 0.005%; no homozygotes.

Submissions (2):

GeneDx
Classification: Uncertain significance. Last evaluated: 2025-08-01. Review status: criteria provided, single submitter. Criteria: GeneDx Variant Classification Process June 2021. Collection method: clinical testing. Allele origin: germline. Affected: yes.
Comment: In silico analysis supports that this missense variant has a deleterious effect on protein structure/function; Has not been previously published as pathogenic or benign to our knowledge

Ambry Genetics
Classification: Uncertain significance for Inborn genetic diseases. Last evaluated: 2025-01-21. Review status: criteria provided, single submitter. Criteria: Ambry Variant Classification Scheme 2023. Collection method: clinical testing. Allele origin: germline.